The following is an entry in ClinVar:

ClinVar aggregate classification (germline): Likely pathogenic (1 of 4 stars; one submission).

Conditions:
Mucopolysaccharidosis, MPS-II (MPS2). Also called: Hunter Syndrome; IDURONATE 2-SULFATASE DEFICIENCY; Mucopolysaccharidosis Type II; Mucopolysaccharidosis type 2; Attenuated MPS (subtype; formerly known as mild MPS II); Severe MPS II. Identifiers: Orphanet 580, Orphanet 79388, MedGen C0026705, MONDO:0010674, OMIM 309900.

Submission:

Laboratory of Diagnosis and Therapy of Lysosomal Disorders, University of Padova
Classification: Likely pathogenic for Mucopolysaccharidosis, MPS-II. Last evaluated: 2024-06-07. Review status: criteria provided, single submitter. Criteria: ACMG Guidelines, 2015. Collection method: literature only. Allele origin: germline. Affected: yes. Observed: 1 variant allele.
Comment: Absent from controls (or at low frequency) in gnomAD database (PM2_Moderate), Protein length changes in a nonrepeat region or stop–loss variants (PM4_Moderate), Multiple lines of computational evidence support a deleterious effect (PP3_Supporting), Patient’s phenotype or family history highly specific for the disease (PP4_Moderate)

Classification method: ACMG Guidelines [PMID:25741868] with modifications

Literature cited by the submitters: PubMed 11462244.

NM_000202.8(IDS):c.1008_1019del

Genes: IDS (iduronate 2-sulfatase; minus strand), LOC106050102 (IDS recombination region; plus strand). Cytogenetic location: Xq28.
Variant type: Deletion.
Coding change: c.1008_1019del on transcript NM_000202.8 (MANE Select); coding-DNA positions 1008 to 1019, 12 bases deleted (GTGGGCTCTAGG).
Molecular consequence: splice acceptor variant.
Genome position (GRCh38, 1-based): chrX:149,487,086-149,487,097, CCTAGAGCCCAC deleted on the plus strand (GTGGGCTCTAGG on the coding strand, the reverse complement: IDS is on the minus strand); deleting any 12 consecutive bases within chrX:149,487,086-149,487,102 gives the same sequence; the c. name uses the placement nearest the transcript's 3' end. VCF-style (leftmost placement, unchanged base first): chrX-149487085-ACCTAGAGCCCAC-A. GRCh37 (hg19) VCF-style: chrX-148568616-ACCTAGAGCCCAC-A.
Identifiers: ClinVar variation 3255915 (VCV003255915.2).